The following is an entry in ClinVar:

ClinVar aggregate classification (germline): Uncertain significance (1 of 4 stars; one submission).

Submission:

GeneDx
Classification: Uncertain significance. Last evaluated: 2024-09-30. Review status: criteria provided, single submitter. Criteria: GeneDx Variant Classification Process June 2021. Collection method: clinical testing. Allele origin: germline. Affected: yes.
Comment: Not observed at significant frequency in large population cohorts (gnomAD); In silico analysis supports that this missense variant has a deleterious effect on protein structure/function; Has not been previously published as pathogenic or benign to our knowledge; This variant is associated with the following publications: (PMID: 10835628, 11114740)

NM_182925.5(FLT4):c.3101T>C (p.Ile1034Thr)

Gene: FLT4 (fms related receptor tyrosine kinase 4; minus strand). Cytogenetic location: 5q35.3.
Variant type: single nucleotide variant.
Coding change: c.3101T>C on transcript NM_182925.5 (MANE Select); coding-DNA position 3101, T replaced by C.
Protein change: p.Ile1034Thr; replaces isoleucine 1034 with threonine.
Molecular consequence: missense variant.
Genome position (GRCh38, 1-based): chr5:180,616,485, A>G on the plus strand (T>C on the coding strand, the complement: FLT4 is on the minus strand). VCF-style: chr5-180616485-A-G. GRCh37 (hg19) VCF-style: chr5-180043485-A-G.
Other names: c.3101T>C, p.Ile1034Thr (NM_001354989.2, NM_002020.5); short protein forms I1034T.
Identifiers: ClinVar variation 3774778 (VCV003774778.1).